The following is an entry in ClinVar:

NM_014339.7(IL17RA):c.427C>T (p.Arg143Cys)

Gene: IL17RA (interleukin 17 receptor A; plus strand). Cytogenetic location: 22q11.1.
Variant type: single nucleotide variant.
Coding change: c.427C>T on transcript NM_014339.7 (MANE Select); coding-DNA position 427, C replaced by T.
Protein change: p.Arg143Cys; replaces arginine 143 with cysteine.
Molecular consequence: missense variant.
Genome position (GRCh38, 1-based): chr22:17,100,358, C>T. VCF-style: chr22-17100358-C-T. GRCh37 (hg19) VCF-style: chr22-17581248-C-T.
Other names: c.427C>T, p.Arg143Cys (NM_001289905.2); short protein forms R143C.
Identifiers: ClinVar variation 340572 (VCV000340572.45), dbSNP rs145378071, ClinGen allele CA10086362.
Genomic context (GRCh38, chr22:17,100,358, plus strand): 5'-GATGGGTGACAGAGGTGTGTGTAATCCATCCACCTTCCCTTCCTCCCTTCTCTTCAGTGG[C>T]GTTTTACCTTCAGCCACTTTGTGGTTGACCCTGACCAGGAATATGAGGTGACCGTTCACC-3'
Protein context (NP_055154.3, residues 133-153): SKLRHHHRRW[Arg143Cys]FTFSHFVVDP

ClinVar aggregate classification (germline): Conflicting classifications of pathogenicity. Review status: criteria provided, conflicting classifications (1 of 4 stars). 6 submissions from 6 submitters: Uncertain significance (5); Likely benign (1). Last evaluated 2024-11-20.

Conditions:
Immunodeficiency 51 (IMD51). Also called: CANDIDIASIS, FAMILIAL, 5. Identifiers: Orphanet 1334, MedGen C4310803, MONDO:0013500, OMIM 613953.

Allele frequency attached by ClinVar (database versions not stated): gnomAD exomes 0.00039; gnomAD 0.00046 and 0.00048; ESP Exome Variant Server 0.00054; TOPMed 0.00055; 1000 Genomes Project 0.00060; 1000 Genomes Project 30x 0.00062.
gnomAD v4.1: 681 of 1,614,066 alleles (0.042%); highest among the groups gnomAD compares: Middle Eastern, 0.66%; 1 homozygote.

Submissions (6):

Blueprint Genetics
Classification: Uncertain significance. Last evaluated: 2024-11-20. Review status: criteria provided, single submitter. Criteria: ACMG Guidelines, 2015. Collection method: clinical testing. Allele origin: germline.

Labcorp Genetics (formerly Invitae), Labcorp
Classification: Uncertain significance for Immunodeficiency 51. Last evaluated: 2024-01-29. Review status: criteria provided, single submitter. Criteria: Invitae Variant Classification Sherloc (09022015). Collection method: clinical testing. Allele origin: germline.
Comment: This sequence change replaces arginine, which is basic and polar, with cysteine, which is neutral and slightly polar, at codon 143 of the IL17RA protein (p.Arg143Cys). This variant is present in population databases (rs145378071, gnomAD 0.1%), and has an allele count higher than expected for a pathogenic variant. This variant has not been reported in the literature in individuals affected with IL17RA-related conditions. ClinVar contains an entry for this variant (Variation ID: 340572). Advanced modeling of protein sequence and biophysical properties (such as structural, functional, and spatial information, amino acid conservation, physicochemical variation, residue mobility, and thermodynamic stability) performed at Invitae indicates that this missense variant is expected to disrupt IL17RA protein function with a positive predictive value of 80%. In summary, the available evidence is currently insufficient to determine the role of this variant in disease. Therefore, it has been classified as a Variant of Uncertain Significance.

CeGaT Center for Human Genetics Tuebingen
Classification: Likely benign. Last evaluated: 2022-05-01. Review status: criteria provided, single submitter. Criteria: CeGaT Center For Human Genetics Tuebingen Variant Classification Criteria Version 2. Collection method: clinical testing. Allele origin: germline. Affected: yes. Observed: 1 variant allele.
Comment: IL17RA: BP4

Laboratorio de Genetica e Diagnostico Molecular, Hospital Israelita Albert Einstein
Classification: Uncertain significance. Last evaluated: 2020-05-12. Review status: criteria provided, single submitter. Criteria: ACMG Guidelines, 2015. Collection method: clinical testing. Allele origin: germline. Affected: yes.
Comment: ACMG classification criteria: PM2, BP4

Illumina Laboratory Services, Illumina
Classification: Uncertain significance for Immunodeficiency 51. Last evaluated: 2018-01-13. Review status: criteria provided, single submitter. Criteria: ICSL Variant Classification Criteria 13 December 2019. Collection method: clinical testing. Allele origin: germline.

Breakthrough Genomics
Classification: Uncertain significance. Review status: criteria provided, single submitter. Criteria: ACMG Guidelines, 2015. Collection method: not provided. Allele origin: germline. Inheritance: Autosomal dominant inheritance. Affected: yes.